The following is an entry in ClinVar:

ClinVar aggregate classification (germline): Uncertain significance (1 of 4 stars; one submission).

Conditions:
Neurofibromatosis, type 1 (NF1). Also called: Neurofibromatosis, type I; Peripheral type neurofibromatosis; VON RECKLINGHAUSEN DISEASE; NEUROFIBROMATOSIS, TYPE I, SOMATIC. Identifiers: Orphanet 636, MedGen C0027831, MONDO:0018975, OMIM 162200. Disease mechanism: loss of function.

Submission:

Labcorp Genetics (formerly Invitae), Labcorp
Classification: Uncertain significance for Neurofibromatosis, type 1. Last evaluated: 2022-07-05. Review status: criteria provided, single submitter. Criteria: Invitae Variant Classification Sherloc (09022015). Collection method: clinical testing. Allele origin: germline.
Comment: In summary, the available evidence is currently insufficient to determine the role of this variant in disease. Therefore, it has been classified as a Variant of Uncertain Significance. Algorithms developed to predict the effect of sequence changes on RNA splicing suggest that this variant may disrupt the consensus splice site. Advanced modeling of protein sequence and biophysical properties (such as structural, functional, and spatial information, amino acid conservation, physicochemical variation, residue mobility, and thermodynamic stability) performed at Invitae indicates that this missense variant is expected to disrupt NF1 protein function. This variant has not been reported in the literature in individuals affected with NF1-related conditions. This variant is not present in population databases (gnomAD no frequency). This sequence change replaces isoleucine, which is neutral and non-polar, with lysine, which is basic and polar, at codon 1461 of the NF1 protein (p.Ile1461Lys).

NM_001042492.3(NF1):c.4445T>A (p.Ile1482Lys)

Gene: NF1 (neurofibromin 1; plus strand). Cytogenetic location: 17q11.2.
Variant type: single nucleotide variant.
Coding change: c.4445T>A on transcript NM_001042492.3 (MANE Select); coding-DNA position 4445, T replaced by A.
Protein change: p.Ile1482Lys; replaces isoleucine 1482 with lysine.
Molecular consequence: missense variant.
Genome position (GRCh38, 1-based): chr17:31,260,383, T>A. VCF-style: chr17-31260383-T-A. GRCh37 (hg19) VCF-style: chr17-29587401-T-A.
Other names: c.4382T>A, p.Ile1461Lys (NM_000267.4); short protein forms I1482K, I1461K.
Identifiers: ClinVar variation 2014248 (VCV002014248.4), dbSNP rs746994734, ClinGen allele CA398999209.